The following is an entry in ClinVar:

NM_053013.4(ENO3):c.394C>T (p.Arg132Cys)

Gene: ENO3 (enolase 3; plus strand). Cytogenetic location: 17p13.2.
Variant type: single nucleotide variant.
Coding change: c.394C>T on transcript NM_053013.4 (MANE Select); coding-DNA position 394, C replaced by T.
Protein change: p.Arg132Cys; replaces arginine 132 with cysteine.
Molecular consequence: missense variant.
Genome position (GRCh38, 1-based): chr17:4,953,795, C>T. VCF-style: chr17-4953795-C-T. GRCh37 (hg19) VCF-style: chr17-4857090-C-T.
Other names: c.265C>T, p.Arg89Cys (NM_001193503.2); c.394C>T, p.Arg132Cys (NM_001374523.1, NM_001976.5); c.421C>T, p.Arg141Cys (NM_001374524.1); short protein forms R132C, R141C, R89C.
Identifiers: ClinVar variation 2151615 (VCV002151615.1), dbSNP rs151067614, ClinGen allele CA8316284.

ClinVar aggregate classification (germline): Uncertain significance (1 of 4 stars; one submission).

Conditions:
Glycogen storage disease due to muscle beta-enolase deficiency (GSD13). Also called: ENOLASE 3 DEFICIENCY; ENOLASE-BETA DEFICIENCY; GSD XIII; Glycogen Storage Disease Type XIII. Identifiers: Orphanet 99849, MedGen C2752027, MONDO:0013046, OMIM 612932.

Allele frequency attached by ClinVar (database versions not stated): TOPMed 0.00003; ExAC 0.00004; gnomAD 0.00005; ESP Exome Variant Server 0.00008.
gnomAD v4.1: 27 of 1,614,062 alleles (0.0017%); highest among the groups gnomAD compares: African/African-American, 0.0067%; no homozygotes.

Submission:

Labcorp Genetics (formerly Invitae), Labcorp
Classification: Uncertain significance for Glycogen storage disease due to muscle beta-enolase deficiency. Last evaluated: 2022-07-14. Review status: criteria provided, single submitter. Criteria: Invitae Variant Classification Sherloc (09022015). Collection method: clinical testing. Allele origin: germline.
Comment: This sequence change replaces arginine, which is basic and polar, with cysteine, which is neutral and slightly polar, at codon 132 of the ENO3 protein (p.Arg132Cys). This variant is present in population databases (rs151067614, gnomAD 0.01%). This variant has not been reported in the literature in individuals affected with ENO3-related conditions. Algorithms developed to predict the effect of missense changes on protein structure and function (SIFT, PolyPhen-2, Align-GVGD) all suggest that this variant is likely to be disruptive. In summary, the available evidence is currently insufficient to determine the role of this variant in disease. Therefore, it has been classified as a Variant of Uncertain Significance.